The following is an entry in ClinVar:

NM_022042.4(SLC26A1):c.541G>A (p.Ala181Thr)

Genes: IDUA (alpha-L-iduronidase; plus strand), SLC26A1 (solute carrier family 26 member 1; minus strand). Cytogenetic location: 4p16.3.
Variant type: single nucleotide variant.
Coding change: c.541G>A on transcript NM_022042.4 (MANE Select); coding-DNA position 541, G replaced by A.
Protein change: p.Ala181Thr; replaces alanine 181 with threonine.
Molecular consequence: missense variant. On other transcripts: intron variant (1).
Genome position (GRCh38, 1-based): chr4:991,163, C>T on the plus strand (G>A on the coding strand, the complement: SLC26A1 is on the minus strand). VCF-style: chr4-991163-C-T. GRCh37 (hg19) VCF-style: chr4-984951-C-T.
Other names: c.541G>A, p.Ala181Thr (NM_134425.4, NM_213613.4); c.299+3214C>T (NM_000203.5); short protein forms A181T.
Identifiers: ClinVar variation 4692464 (VCV004692464.1).

ClinVar aggregate classification (germline): Uncertain significance (1 of 4 stars; one submission).

gnomAD v4.1: 70 of 1,561,700 alleles (0.0045%); highest among the groups gnomAD compares: South Asian, 0.044%; no homozygotes.

Submission:

Labcorp Genetics (formerly Invitae), Labcorp
Classification: Uncertain significance. Last evaluated: 2025-11-23. Review status: criteria provided, single submitter. Criteria: Invitae Variant Classification Sherloc (09022015). Collection method: clinical testing. Allele origin: germline.
Comment: This sequence change replaces alanine, which is neutral and non-polar, with threonine, which is neutral and polar, at codon 181 of the SLC26A1 protein (p.Ala181Thr). This variant is present in population databases (rs144893723, gnomAD 0.03%). This variant has not been reported in the literature in individuals affected with SLC26A1-related conditions. Invitae Evidence Modeling of protein sequence and biophysical properties (such as structural, functional, and spatial information, amino acid conservation, physicochemical variation, residue mobility, and thermodynamic stability) indicates that this missense variant is not expected to disrupt SLC26A1 protein function with a negative predictive value of 80%. In summary, the available evidence is currently insufficient to determine the role of this variant in disease. Therefore, it has been classified as a Variant of Uncertain Significance.